The following is an entry in ClinVar:

NM_001329943.3(KIAA0586):c.1196C>G (p.Ser399Ter)

Gene: KIAA0586 (KIAA0586; plus strand). Cytogenetic location: 14q23.1.
Variant type: single nucleotide variant.
Coding change: c.1196C>G on transcript NM_001329943.3 (MANE Select); coding-DNA position 1196, C replaced by G.
Protein change: p.Ser399Ter; replaces serine 399 with a stop codon.
Molecular consequence: nonsense.
Genome position (GRCh38, 1-based): chr14:58,453,416, C>G. VCF-style: chr14-58453416-C-G. GRCh37 (hg19) VCF-style: chr14-58920134-C-G.
Other names: c.1355C>G, p.Ser452Ter (NM_001244189.2); c.1151C>G, p.Ser384Ter (NM_001244190.2); c.941C>G, p.Ser314Ter (NM_001244191.2, NM_001329945.2, NM_001364700.1 and 1 more transcripts); c.1064C>G, p.Ser355Ter (NM_001244192.2); c.776C>G, p.Ser259Ter (NM_001244193.2); c.1196C>G, p.Ser399Ter (NM_001329944.2, NM_001329946.2, NM_001329947.2 and 1 more transcripts); short protein forms S259*, S314*, S355*, S384*, S399*, S452*.
Identifiers: ClinVar variation 2637236 (VCV002637236.2), dbSNP rs2140763302, ClinGen allele CA389866849.

ClinVar aggregate classification (germline): Likely pathogenic. Review status: criteria provided, multiple submitters, no conflicts (2 of 4 stars). 2 submissions from 2 submitters: Likely pathogenic (2). Last evaluated 2022-09-12.

Conditions:
KIAA0586-related disorder. Also called: KIAA0586-related condition; KIAA0586- Related disorders.

gnomAD v4.1: 1 of 1,507,490 alleles (0.000066%); highest among the groups gnomAD compares: Non-Finnish European, 0.00009%; no homozygotes.

Submissions (2):

PreventionGenetics, part of Exact Sciences
Classification: Likely pathogenic for KIAA0586-related condition. Last evaluated: 2022-09-12. Review status: criteria provided, single submitter. Criteria: ACMG Guidelines, 2015. Collection method: clinical testing. Allele origin: germline.
Comment: The KIAA0586 c.1355C>G variant is predicted to result in premature protein termination (p.Ser452*). To our knowledge, this variant has not been reported in the literature or in a large population database, indicating this variant is rare. Nonsense variants in KIAA0586 are expected to be pathogenic, and therefore we interpret c.1355C>G (p.Ser452*) as likely pathogenic.

Blueprint Genetics
Classification: Likely pathogenic for KIAA0586-related disorders. Last evaluated: 2022-01-10. Review status: criteria provided, single submitter. Criteria: ACMG Guidelines, 2015. Collection method: clinical testing. Allele origin: germline. Affected: yes. Observed: 1 variant allele.